The following is an entry in ClinVar:

ClinVar aggregate classification (germline): Pathogenic (1 of 4 stars; one submission).

Conditions:
Werner syndrome (WRN). Identifiers: Orphanet 902, MedGen C0043119, MONDO:0010196, OMIM 277700.

Allele frequency attached by ClinVar (database versions not stated): gnomAD exomes below 0.00001.
gnomAD v4.1: 1 of 1,613,560 alleles (0.000062%); highest among the groups gnomAD compares: Non-Finnish European, 0.000085%; no homozygotes.

Submission:

Labcorp Genetics (formerly Invitae), Labcorp
Classification: Pathogenic for Werner syndrome. Last evaluated: 2025-09-13. Review status: criteria provided, single submitter. Criteria: Invitae Variant Classification Sherloc (09022015). Collection method: clinical testing. Allele origin: germline.
Comment: This sequence change creates a premature translational stop signal (p.Gln1257*) in the WRN gene. It is expected to result in an absent or disrupted protein product. Loss-of-function variants in WRN are known to be pathogenic (PMID: 16673358). This variant is not present in population databases (gnomAD no frequency). This premature translational stop signal has been observed in individual(s) with Werner syndrome (PMID: 23849162). ClinVar contains an entry for this variant (Variation ID: 1076472). For these reasons, this variant has been classified as Pathogenic.

Literature cited by the submitters: PubMed 16673358; PubMed 23849162.

NM_000553.6(WRN):c.3769C>T (p.Gln1257Ter)

Gene: WRN (WRN RecQ like helicase; plus strand). Cytogenetic location: 8p12.
Variant type: single nucleotide variant.
Coding change: c.3769C>T on transcript NM_000553.6 (MANE Select); coding-DNA position 3769, C replaced by T.
Protein change: p.Gln1257Ter; replaces glutamine 1257 with a stop codon.
Molecular consequence: nonsense.
Genome position (GRCh38, 1-based): chr8:31,154,705, C>T. VCF-style: chr8-31154705-C-T. GRCh37 (hg19) VCF-style: chr8-31012221-C-T.
Other names: short protein forms Q1257*.
Identifiers: ClinVar variation 1076472 (VCV001076472.5), dbSNP rs2130470364, ClinGen allele CA370929145.